The following continues an entry in ClinVar:

NM_014249.4(NR2E3):c.932G>A (p.Arg311Gln)

Gene: NR2E3. ClinVar aggregate classification (germline): Pathogenic/Likely pathogenic. Pathogenic (21); Likely pathogenic (1).

Submissions 30 to 31 of 31:

Department of Pathology and Laboratory Medicine, Sinai Health System
Classification: Likely pathogenic. Review status: no assertion criteria provided. Collection method: clinical testing. Allele origin: unknown. Affected: yes. Study: The Canadian Open Genetics Repository (COGR). Not counted in ClinVar's aggregate classification.
Comment: The NR2E3 p.Arg311Gln variant was identified in multiple individuals and families with Enhanced S Cone Syndrome (ESCS), Goldmann-Favre syndrome and retinal dystrophy (Escher_2009_PMID:19006237; Chavala_2005_PMID:16024868; Habibi_2016_PMID:27874104; Zerbib_2019_PMID:28541266; Milam_2001_PMID:P11773633; Wright_2004_PMID:15459973). The variant was identified in dbSNP (ID: rs28937873) and ClinVar (classified as pathogenic by Laboratory for Molecular Medicine, Invitae and five other laboratories, and as likely pathogenic by Developmental Genetics Unit, King Faisal Specialist Hospital & Research Centre, Department of Genetics, Sultan Qaboos University Hospital, Oman and Medical Genetics Laboratory, Kennedy Center, Juliane Marie Center, Rigshospitalet). The variant was identified in control databases in 94 of 230880 chromosomes (1 homozygous) at a frequency of 0.0004071 (Genome Aggregation Database March 6, 2019, v2.1.1). The variant was observed in the following populations: Ashkenazi Jewish in 46 of 9790 chromosomes (freq: 0.004699), Other in 5 of 5986 chromosomes (freq: 0.000835), Latino in 22 of 33104 chromosomes (freq: 0.000665), European (non-Finnish) in 18 of 105900 chromosomes (freq: 0.00017), East Asian in 2 of 17158 chromosomes (freq: 0.000117) and African in 1 of 15532 chromosomes (freq: 0.000064), but was not observed in the European (Finnish), or South Asian populations. The p.Arg311 residue is not conserved in mammals and computational analyses (PolyPhen-2, SIFT, AlignGVGD, BLOSUM, MutationTaster) provide inconsistent predictions regarding the impact to the protein; this information is not very predictive of pathogenicity. The variant occurs outside of the splicing consensus sequence and 4 of 4 in silico or computational prediction software programs (SpliceSiteFinder, MaxEntScan, NNSPLICE, GeneSplicer) predict a greater than 10% difference in splicing and the creation of a new 3' splice site. However, this has not been confirmed by RNA analysis and is not predictive enough to assume pathogenicity. Functional studies show some evidence of this variant impacting protein function. This variant is suspected to impair corepressor-binding in ESCS, reduce repression of cone promoters, hinder the ability of photoreceptor cell-specific nuclear receptor (PNR) to form stable dimers, mislocalize in the cytoplasm, have reduced binding and interactions compared to wild type proteins and demonstrates a variable reduction in NR2E3-mediated increase in transcriptional activity (Kanda_2009_PMID:19898638; Gerber_2000_PMID:11071390, Escher_2009_PMID:19006237). However, there is some evidence that the p.R311Q protein behaves similarly to the wild-type protein and that this variant does not significantly alter the in vitro DNA binding capacities and ability of PNR to repress transcription (Roduit_2009_PMID:19823680; Gerber_2000_PMID:11071390). In summary, based on the above information this variant meets our laboratoryâ€šÃ„Ã´s criteria to be classified as pathogenic.

Genomic Medicine Center of Excellence, King Faisal Specialist Hospital and Research Centre
Classification: Likely pathogenic. Review status: flagged submission. Criteria: ACMG Guidelines, 2015. Collection method: research. Allele origin: germline. Affected: yes. Not counted in ClinVar's aggregate classification.
ClinVar note: Reason: This record appears to be redundant with a more recent record from the same submitter.
ClinVar note: Notes: SCV000221437 appears to be redundant with SCV004800994.

Literature cited by the submitters: PubMed 10655056 (cited by 12 submitters); PubMed 11071390 (cited by 9 submitters); PubMed 11773633 (cited by 8 submitters); PubMed 16024868 (cited by 8 submitters); PubMed 18294254 (cited by 10 submitters); PubMed 19898638 (cited by 9 submitters); PubMed 26894784 (cited by 6 submitters); PubMed 19006237 (cited by 8 submitters); PubMed 19823680 (cited by 4 submitters); PubMed 25703721 (cited by 3 submitters); PubMed 37806489 (cited by Variantyx, Inc.); PubMed 11007652 (cited by Variantyx, Inc.); PubMed 17438525 (cited by 7 submitters); PubMed 35672425 (cited by Natera, Inc.); PubMed 33513943 (cited by Natera, Inc.); PubMed 28541266 (cited by Natera, Inc. and Institute of Human Genetics, Univ. Regensburg, Univ. Regensburg); PubMed 19429590 (cited by Natera, Inc. and Institute of Human Genetics, Univ. Regensburg, Univ. Regensburg); PubMed 30054919 (cited by 3billion and Faculty of Health Sciences, Beirut Arab University); PubMed 18835469 (cited by 3 submitters); PubMed 21686439 (cited by Institute of Human Genetics, Univ. Regensburg, Univ. Regensburg); PubMed 25097241 (cited by 3 submitters); PubMed 27874104 (cited by 4 submitters); PubMed 26355662 (cited by 3 submitters); PubMed 28157192 (cited by Institute of Human Genetics, Univ. Regensburg, Univ. Regensburg); PubMed 28944237 (cited by 3 submitters); PubMed 28559085 (cited by Institute of Human Genetics, Univ. Regensburg, Univ. Regensburg); PubMed 29343940 (cited by Institute of Human Genetics, Univ. Regensburg, Univ. Regensburg); PubMed 30337596 (cited by Institute of Human Genetics, Univ. Regensburg, Univ. Regensburg); PubMed 31589614 (cited by Institute of Human Genetics, Univ. Regensburg, Univ. Regensburg); PubMed 31054281 (cited by Institute of Human Genetics, Univ. Regensburg, Univ. Regensburg); PubMed 30324420 (cited by Institute of Human Genetics, Univ. Regensburg, Univ. Regensburg); PubMed 31370859 (cited by Institute of Human Genetics, Univ. Regensburg, Univ. Regensburg); PubMed 31964843 (cited by Institute of Human Genetics, Univ. Regensburg, Univ. Regensburg); PubMed 31980526 (cited by Institute of Human Genetics, Univ. Regensburg, Univ. Regensburg); PubMed 32732225 (cited by Institute of Human Genetics, Univ. Regensburg, Univ. Regensburg); PubMed 32783370 (cited by Institute of Human Genetics, Univ. Regensburg, Univ. Regensburg); PubMed 31816670 (cited by Institute of Human Genetics, Univ. Regensburg, Univ. Regensburg); PubMed 32679203 (cited by Institute of Human Genetics, Univ. Regensburg, Univ. Regensburg); PubMed 33634125 (cited by Institute of Human Genetics, Univ. Regensburg, Univ. Regensburg); PubMed 36460718 (cited by Institute of Human Genetics, Univ. Regensburg, Univ. Regensburg); PubMed 35836572 (cited by Institute of Human Genetics, Univ. Regensburg, Univ. Regensburg); PubMed 35113758 (cited by Institute of Human Genetics, Univ. Regensburg, Univ. Regensburg); PubMed 36819107 (cited by Institute of Human Genetics, Univ. Regensburg, Univ. Regensburg); PubMed 30718709 (cited by Ocular Genomics Institute, Massachusetts Eye and Ear and Department of Clinical Genetics, Copenhagen University Hospital, Rigshospitalet); PubMed 24069298 (cited by 3 submitters); PubMed 19273793 (cited by Ocular Genomics Institute, Massachusetts Eye and Ear and Laboratory for Molecular Medicine, Mass General Brigham Personalized Medicine); PubMed 19139342 (cited by Ocular Genomics Institute, Massachusetts Eye and Ear and Laboratory for Molecular Medicine, Mass General Brigham Personalized Medicine); PubMed 18436841 (cited by Ocular Genomics Institute, Massachusetts Eye and Ear and UNC Molecular Genetics  Laboratory, University of North Carolina at Chapel Hill); PubMed 15689355 (cited by 3 submitters); PubMed 12963616 (cited by Ocular Genomics Institute, Massachusetts Eye and Ear and UNC Molecular Genetics  Laboratory, University of North Carolina at Chapel Hill).